The following is an entry in ClinVar:

ClinVar aggregate classification (germline): Uncertain significance (1 of 4 stars; one submission).

Allele frequency attached by ClinVar (database versions not stated): gnomAD 0.00001; ExAC 0.00002; ESP Exome Variant Server 0.00008; TOPMed 0.00002; gnomAD exomes 0.00003.
gnomAD v4.1: 46 of 1,613,740 alleles (0.0029%); highest among the groups gnomAD compares: Non-Finnish European, 0.0035%; no homozygotes.

Submission:

Labcorp Genetics (formerly Invitae), Labcorp
Classification: Uncertain significance. Last evaluated: 2025-10-27. Review status: criteria provided, single submitter. Criteria: Invitae Variant Classification Sherloc (09022015). Collection method: clinical testing. Allele origin: germline.
Comment: This sequence change replaces glutamic acid, which is acidic and polar, with glycine, which is neutral and non-polar, at codon 1587 of the SPTA1 protein (p.Glu1587Gly). This variant is present in population databases (rs367634336, gnomAD 0.003%). This variant has not been reported in the literature in individuals affected with SPTA1-related conditions. ClinVar contains an entry for this variant (Variation ID: 2910763). Invitae Evidence Modeling of protein sequence and biophysical properties (such as structural, functional, and spatial information, amino acid conservation, physicochemical variation, residue mobility, and thermodynamic stability) indicates that this missense variant is not expected to disrupt SPTA1 protein function with a negative predictive value of 80%. In summary, the available evidence is currently insufficient to determine the role of this variant in disease. Therefore, it has been classified as a Variant of Uncertain Significance.

NM_003126.4(SPTA1):c.4760A>G (p.Glu1587Gly)

Gene: SPTA1 (spectrin alpha, erythrocytic 1; minus strand). Cytogenetic location: 1q23.1.
Variant type: single nucleotide variant.
Coding change: c.4760A>G on transcript NM_003126.4 (MANE Select); coding-DNA position 4760, A replaced by G.
Protein change: p.Glu1587Gly; replaces glutamic acid 1587 with glycine.
Molecular consequence: missense variant.
Genome position (GRCh38, 1-based): chr1:158,639,985, T>C on the plus strand (A>G on the coding strand, the complement: SPTA1 is on the minus strand). VCF-style: chr1-158639985-T-C. GRCh37 (hg19) VCF-style: chr1-158609775-T-C.
Other names: short protein forms E1587G.
Identifiers: ClinVar variation 2910763 (VCV002910763.3), dbSNP rs367634336, ClinGen allele CA1182558.
Genomic context (GRCh38, chr1:158,639,985, plus strand): 5'-CTGGCCTCATTGAGCTTCTTCCCTTTGTCATTTGTTCTCTCAAGCAGATGATCCCAATGT[T>C]CCTTCAGCTGTTCCAGTTGCTCCTAACCCAAGGAGAGTGAGGAGTCATTACAATCTTTAG-3'
Protein context (NP_003117.2, residues 1577-1597): AMKEQLEQLK[Glu1587Gly]HWDHLLERTN